The following is an entry in ClinVar:

NM_007348.4(ATF6):c.1718G>A (p.Arg573Lys)

Gene: ATF6 (activating transcription factor 6; plus strand). Cytogenetic location: 1q23.3.
Variant type: single nucleotide variant.
Coding change: c.1718G>A on transcript NM_007348.4 (MANE Select); coding-DNA position 1718, G replaced by A.
Protein change: p.Arg573Lys; replaces arginine 573 with lysine.
Molecular consequence: missense variant.
Genome position (GRCh38, 1-based): chr1:161,863,311, G>A. VCF-style: chr1-161863311-G-A. GRCh37 (hg19) VCF-style: chr1-161833101-G-A.
Other names: short protein forms R573K.
Identifiers: ClinVar variation 1004228 (VCV001004228.5), dbSNP rs776117884, ClinGen allele CA1214569.

ClinVar aggregate classification (germline): Uncertain significance (1 of 4 stars; one submission).

Allele frequency attached by ClinVar (database versions not stated): gnomAD 0.00002 and 0.00003; gnomAD exomes 0.00001; TOPMed 0.00001; ExAC 0.00002.
gnomAD v4.1: 19 of 1,598,070 alleles (0.0012%); highest among the groups gnomAD compares: Non-Finnish European, 0.0015%; no homozygotes.

Submission:

Labcorp Genetics (formerly Invitae), Labcorp
Classification: Uncertain significance. Last evaluated: 2025-08-11. Review status: criteria provided, single submitter. Criteria: Invitae Variant Classification Sherloc (09022015). Collection method: clinical testing. Allele origin: germline.
Comment: This sequence change replaces arginine, which is basic and polar, with lysine, which is basic and polar, at codon 573 of the ATF6 protein (p.Arg573Lys). This variant is present in population databases (rs776117884, gnomAD 0.002%). This variant has not been reported in the literature in individuals affected with ATF6-related conditions. ClinVar contains an entry for this variant (Variation ID: 1004228). An algorithm developed to predict the effect of missense changes on protein structure and function (PolyPhen-2) suggests that this variant is likely to be disruptive. In summary, the available evidence is currently insufficient to determine the role of this variant in disease. Therefore, it has been classified as a Variant of Uncertain Significance.